The following is an entry in ClinVar:

NM_000548.5(TSC2):c.5163G>A (p.Met1721Ile)

Gene: TSC2 (TSC complex subunit 2; plus strand). Cytogenetic location: 16p13.3.
Variant type: single nucleotide variant.
Coding change: c.5163G>A on transcript NM_000548.5 (MANE Select); coding-DNA position 5163, G replaced by A.
Protein change: p.Met1721Ile; replaces methionine 1721 with isoleucine.
Molecular consequence: missense variant. On other transcripts: intron variant (1).
Genome position (GRCh38, 1-based): chr16:2,088,229, G>A. VCF-style: chr16-2088229-G-A. GRCh37 (hg19) VCF-style: chr16-2138230-G-A.
Other names: c.4431G>A, p.Met1477Ile (NM_001318831.2); c.4965G>A, p.Met1655Ile (NM_001363528.2); c.4818G>A, p.Met1606Ile (NM_001318829.2); c.4962G>A, p.Met1654Ile (NM_001077183.3); c.4995G>A, p.Met1665Ile (NM_001318832.2); c.5094G>A, p.Met1698Ile (NM_001114382.3); c.4854G>A, p.Met1618Ile (NM_001318827.2); c.5031G>A, p.Met1677Ile (NM_001370404.1); and 27 more; short protein forms M1250I, M1455I, M1498I, M1521I, M1605I, M1649I, M1684I, M1720I.
Identifiers: ClinVar variation 1745741 (VCV001745741.5), dbSNP rs2544490838, ClinGen allele CA394313825.

ClinVar aggregate classification (germline): Uncertain significance. Review status: criteria provided, multiple submitters, no conflicts (2 of 4 stars). 2 submissions from 2 submitters: Uncertain significance (2). Last evaluated 2023-07-31.

Conditions:
Hereditary cancer-predisposing syndrome. Also called: Neoplastic Syndromes, Hereditary; Tumor predisposition; Hereditary Cancer Syndrome; Hereditary neoplastic syndrome. Identifiers: Orphanet 140162, MedGen C0027672, MeSH D009386, MONDO:0015356.
Tuberous sclerosis 2 (TSC2). Identifiers: Orphanet 805, MedGen C1860707, MONDO:0013199, OMIM 613254.

Submissions (2):

Labcorp Genetics (formerly Invitae), Labcorp
Classification: Uncertain significance for Tuberous sclerosis 2. Last evaluated: 2023-07-31. Review status: criteria provided, single submitter. Criteria: Invitae Variant Classification Sherloc (09022015). Collection method: clinical testing. Allele origin: germline.
Comment: In summary, the available evidence is currently insufficient to determine the role of this variant in disease. Therefore, it has been classified as a Variant of Uncertain Significance. Algorithms developed to predict the effect of sequence changes on RNA splicing suggest that this variant may disrupt the consensus splice site. An algorithm developed to predict the effect of missense changes on protein structure and function (PolyPhen-2) suggests that this variant is likely to be disruptive. ClinVar contains an entry for this variant (Variation ID: 1745741). This variant has not been reported in the literature in individuals affected with TSC2-related conditions. This variant is not present in population databases (gnomAD no frequency). This sequence change replaces methionine, which is neutral and non-polar, with isoleucine, which is neutral and non-polar, at codon 1721 of the TSC2 protein (p.Met1721Ile).

Ambry Genetics
Classification: Uncertain significance for Hereditary cancer-predisposing syndrome. Last evaluated: 2022-03-11. Review status: criteria provided, single submitter. Criteria: Ambry Variant Classification Scheme 2023. Collection method: clinical testing. Allele origin: germline.
Comment: The p.M1721I variant (also known as c.5163G>A), located in coding exon 40 of the TSC2 gene, results from a G to A substitution at nucleotide position 5163. The methionine at codon 1721 is replaced by isoleucine, an amino acid with highly similar properties. This amino acid position is highly conserved in available vertebrate species. In silico splice site analysis predicts that this alteration will result in the creation or strengthening of a novel splice acceptor site. In addition, this alteration is predicted to be deleterious by in silico analysis. Since supporting evidence is limited at this time, the clinical significance of this alteration remains unclear.